The following is an entry in ClinVar:

ClinVar aggregate classification (germline): Uncertain significance (1 of 4 stars; one submission).

Conditions:
Alpha-methylacyl-CoA racemase deficiency (AMACRD). Also called: AMACR deficiency. Identifiers: Orphanet 79095, MedGen C3280428, MONDO:0013681, OMIM 614307. Disease mechanism: loss of function.

Submission:

Labcorp Genetics (formerly Invitae), Labcorp
Classification: Uncertain significance for Alpha-methylacyl-CoA racemase deficiency. Last evaluated: 2021-03-10. Review status: criteria provided, single submitter. Criteria: Invitae Variant Classification Sherloc (09022015). Collection method: clinical testing. Allele origin: germline.
Comment: This sequence change replaces threonine with isoleucine at codon 295 of the AMACR protein (p.Thr295Ile). The threonine residue is highly conserved and there is a moderate physicochemical difference between threonine and isoleucine. This variant is not present in population databases (ExAC no frequency). This variant has not been reported in the literature in individuals with AMACR-related conditions. Algorithms developed to predict the effect of missense changes on protein structure and function are either unavailable or do not agree on the potential impact of this missense change (SIFT: "Tolerated"; PolyPhen-2: "Probably Damaging"; Align-GVGD: "Class C0"). In summary, the available evidence is currently insufficient to determine the role of this variant in disease. Therefore, it has been classified as a Variant of Uncertain Significance.

NM_014324.6(AMACR):c.884C>T (p.Thr295Ile)

Genes: C1QTNF3-AMACR (C1QTNF3-AMACR readthrough (NMD candidate); minus strand), AMACR (alpha-methylacyl-CoA racemase; minus strand). Cytogenetic location: 5p13.2.
Variant type: single nucleotide variant.
Coding change: c.884C>T on transcript NM_014324.6 (MANE Select); coding-DNA position 884, C replaced by T.
Protein change: p.Thr295Ile; replaces threonine 295 with isoleucine.
Molecular consequence: missense variant. On other transcripts: non-coding transcript variant (1), 3 prime UTR variant (1).
Genome position (GRCh38, 1-based): chr5:33,989,358, G>A on the plus strand (C>T on the coding strand, the complement: AMACR is on the minus strand). VCF-style: chr5-33989358-G-A. GRCh37 (hg19) VCF-style: chr5-33989463-G-A.
Other names: c.884C>T, p.Thr295Ile (NM_001167595.2); c.*126C>T (NM_203382.3); short protein forms T295I.
Identifiers: ClinVar variation 1461797 (VCV001461797.8), dbSNP rs2112032792, ClinGen allele CA359399093.